The following is an entry in ClinVar:

ClinVar aggregate classification (germline): Pathogenic (1 of 4 stars; one submission).

Conditions:
Cohen syndrome (COH1). Also called: PEPPER SYNDROME; Cutis verticis gyrata, retinitis pigmentosa, and sensorineural deafness. Identifiers: Orphanet 193, MedGen C0265223, MONDO:0008999, OMIM 216550.

Submission:

Labcorp Genetics (formerly Invitae), Labcorp
Classification: Pathogenic for Cohen syndrome. Last evaluated: 2018-12-14. Review status: criteria provided, single submitter. Criteria: Invitae Variant Classification Sherloc (09022015). Collection method: clinical testing. Allele origin: germline.
Comment: For these reasons, this variant has been classified as Pathogenic. Loss-of-function variants in VPS13B are known to be pathogenic (PMID: 15141358, 16648375, 20461111). This variant has not been reported in the literature in individuals with VPS13B-related conditions. This variant is an out-of-frame deletion of the genomic region encompassing exons 21-30 of the VPS13B gene. This is expected to create a premature translational stop signal and result in an absent or disrupted protein product.

Literature cited by the submitters: PubMed 15141358; PubMed 16648375; PubMed 20461111.

NC_000008.11:g.(?_99391537)_(99521030_?)del

Gene: VPS13B (vacuolar protein sorting 13 homolog B; plus strand). Cytogenetic location: 8q22.2.
Variant type: Deletion.
Identifiers: ClinVar variation 650184 (VCV000650184.5).